The following is an entry in ClinVar:

NM_004168.4(SDHA):c.999C>T (p.Val333=)

Gene: SDHA (succinate dehydrogenase complex flavoprotein subunit A; plus strand). Cytogenetic location: 5p15.33.
Variant type: single nucleotide variant.
Coding change: c.999C>T on transcript NM_004168.4 (MANE Select); coding-DNA position 999, C replaced by T.
Protein change: p.Val333=; no amino-acid change (valine 333 retained).
Molecular consequence: synonymous variant.
Genome position (GRCh38, 1-based): chr5:233,580, C>T. VCF-style: chr5-233580-C-T. GRCh37 (hg19) VCF-style: chr5-233695-C-T.
Other names: c.855C>T, p.Val285= (NM_001294332.2); c.999C>T, p.Val333= (NM_001330758.2).
Identifiers: ClinVar variation 699654 (VCV000699654.16), dbSNP rs149556555, ClinGen allele CA112824540.

ClinVar aggregate classification (germline): Benign/Likely benign. Review status: criteria provided, multiple submitters, no conflicts (2 of 4 stars). 3 submissions from 3 submitters: Benign (1); Likely benign (2). Last evaluated 2025-12-02.

Conditions:
Pheochromocytoma/paraganglioma syndrome 5. Also called: Paragangliomas 5; SDHA-Related Hereditary Paraganglioma-Pheochromocytoma Syndrome. Identifiers: Orphanet 29072, MedGen C3279992, MONDO:0013602, OMIM 614165.
Mitochondrial complex II deficiency, nuclear type 1. Also called: SUCCINATE CoQ REDUCTASE DEFICIENCY. Identifiers: Orphanet 3208, MedGen C5700310, MONDO:0100294, OMIM 252011.
Hereditary cancer-predisposing syndrome. Also called: Tumor predisposition; Neoplastic Syndromes, Hereditary; Hereditary Cancer Syndrome; Hereditary neoplastic syndrome. Identifiers: Orphanet 140162, MedGen C0027672, MeSH D009386, MONDO:0015356.

Allele frequency attached by ClinVar (database versions not stated): TOPMed 0.00003.
gnomAD v4.1: 9 of 1,614,010 alleles (0.00056%); highest among the groups gnomAD compares: Non-Finnish European, 0.00076%; no homozygotes.

Submissions (3):

Labcorp Genetics (formerly Invitae), Labcorp
Classification: Likely benign for Pheochromocytoma/paraganglioma syndrome 5; Mitochondrial complex II deficiency, nuclear type 1. Last evaluated: 2025-12-02. Review status: criteria provided, single submitter. Criteria: Invitae Variant Classification Sherloc (09022015). Collection method: clinical testing. Allele origin: germline.

Myriad Genetics, Inc.
Classification: Benign for Pheochromocytoma/paraganglioma syndrome 5. Last evaluated: 2025-03-07. Review status: criteria provided, single submitter. Criteria: Myriad Autosomal Dominant, Autosomal Recessive and X-Linked Classification Criteria (2023). Collection method: clinical testing. Allele origin: unknown.
Comment: This variant is considered benign. This variant is a silent/synonymous amino acid change and it is not expected to impact splicing.

Ambry Genetics
Classification: Likely benign for Hereditary cancer-predisposing syndrome. Last evaluated: 2019-02-28. Review status: criteria provided, single submitter. Criteria: Ambry Variant Classification Scheme 2023. Collection method: clinical testing. Allele origin: germline.